The following is an entry in ClinVar:

ClinVar aggregate classification (germline): Uncertain significance. Review status: criteria provided, multiple submitters, no conflicts (2 of 4 stars). 4 submissions from 4 submitters: Uncertain significance (4). Last evaluated 2025-07-23.

Allele frequency attached by ClinVar (database versions not stated): TOPMed 0.00001; gnomAD exomes 0.00002 and 0.00001; gnomAD 0.00001.
gnomAD v4.1: 14 of 1,569,662 alleles (0.00089%); highest among the groups gnomAD compares: Admixed American, 0.0037%; no homozygotes.

Submissions (4):

Labcorp Genetics (formerly Invitae), Labcorp
Classification: Uncertain significance. Last evaluated: 2025-07-23. Review status: criteria provided, single submitter. Criteria: Invitae Variant Classification Sherloc (09022015). Collection method: clinical testing. Allele origin: germline.
Comment: This sequence change replaces arginine, which is basic and polar, with cysteine, which is neutral and slightly polar, at codon 202 of the RPL15 protein (p.Arg202Cys). The frequency data for this variant in the population databases is considered unreliable, as metrics indicate poor data quality at this position in the gnomAD database. This variant has not been reported in the literature in individuals affected with RPL15-related conditions. ClinVar contains an entry for this variant (Variation ID: 1006619). An algorithm developed to predict the effect of missense changes on protein structure and function (PolyPhen-2) suggests that this variant is likely to be tolerated. In summary, the available evidence is currently insufficient to determine the role of this variant in disease. Therefore, it has been classified as a Variant of Uncertain Significance.

Center for Genomic Medicine, Rigshospitalet, Copenhagen University Hospital
Classification: Uncertain significance. Last evaluated: 2025-03-04. Review status: criteria provided, single submitter. Criteria: ACMG Guidelines, 2015. Collection method: clinical testing. Allele origin: germline.

Ambry Genetics
Classification: Uncertain significance. Last evaluated: 2025-02-12. Review status: criteria provided, single submitter. Criteria: Ambry Variant Classification Scheme 2023. Collection method: clinical testing. Allele origin: germline.

GeneDx
Classification: Uncertain significance. Last evaluated: 2025-01-21. Review status: criteria provided, single submitter. Criteria: GeneDx Variant Classification Process June 2021. Collection method: clinical testing. Allele origin: germline. Affected: yes.
Comment: Not observed at significant frequency in large population cohorts (gnomAD); In silico analysis supports that this missense variant has a deleterious effect on protein structure/function; Has not been previously published as pathogenic or benign to our knowledge

NM_002948.5(RPL15):c.604C>T (p.Arg202Cys)

Genes: NKIRAS1 (NFKB inhibitor interacting Ras like 1; minus strand), RPL15 (ribosomal protein L15; plus strand). Cytogenetic location: 3p24.2.
Variant type: single nucleotide variant.
Coding change: c.604C>T on transcript NM_002948.5 (MANE Select); coding-DNA position 604, C replaced by T.
Protein change: p.Arg202Cys; replaces arginine 202 with cysteine.
Molecular consequence: missense variant. On other transcripts: intron variant (2).
Genome position (GRCh38, 1-based): chr3:23,919,490, C>T. VCF-style: chr3-23919490-C-T. GRCh37 (hg19) VCF-style: chr3-23960981-C-T.
Other names: c.-139-8040G>A (NM_001377380.1); c.360+244C>T (NM_001253384.2); c.604C>T, p.Arg202Cys (NM_001253379.2, NM_001253380.2, NM_001253382.2 and 1 more transcripts); c.604C>T (NM_002948.2, NM_002948.3); short protein forms R202C.
Identifiers: ClinVar variation 1006619 (VCV001006619.8), dbSNP rs988983281, ClinGen allele CA71532109.
Genomic context (GRCh38, chr3:23,919,490, plus strand): 5'-CACACTATTGGTGGCTCTCGCCGGGCAGCTTGGAGAAGGCGCAATACTCTCCAGCTCCAC[C>T]GTTACCGCTAATATAAGTAAAGTTTGTAAAATTCATACTTAATAAACAATTTAGGACAGT-3'
Protein context (NP_002939.2, residues 192-204): WRRRNTLQLH[Arg202Cys]YR